The following is an entry in ClinVar:

NM_000088.4(COL1A1):c.2084del (p.Gly695fs)

Gene: COL1A1 (collagen type I alpha 1 chain; minus strand). Cytogenetic location: 17q21.33.
Variant type: Deletion.
Coding change: c.2084del on transcript NM_000088.4 (MANE Select); coding-DNA position 2084, one base deleted (G; older notation c.2084delG).
Protein change: p.Gly695fs; shifts the reading frame from glycine 695.
Molecular consequence: frameshift variant.
Genome position (GRCh38, 1-based): chr17:50,191,831, C deleted on the plus strand (G on the coding strand, the reverse complement: COL1A1 is on the minus strand); the first of 2 consecutive C bases (chr17:50,191,831-50,191,832); deleting either gives the same sequence. VCF-style (leftmost placement, unchanged base first): chr17-50191830-AC-A. GRCh37 (hg19) VCF-style: chr17-48269191-AC-A.
Other names: c.2084delG (NM_000088.3); short protein forms G695fs.
Identifiers: ClinVar variation 853946 (VCV000853946.7), dbSNP rs72651641, ClinGen allele CA291544052.

ClinVar aggregate classification (germline): Pathogenic. Review status: criteria provided, multiple submitters, no conflicts (2 of 4 stars). 3 submissions from 3 submitters: Pathogenic (3). Last evaluated 2022-11-11.

Conditions:
Osteogenesis imperfecta type I (OI1). Also called: OI, TYPE I; OSTEOGENESIS IMPERFECTA TARDA; OSTEOGENESIS IMPERFECTA WITH BLUE SCLERAE; Osteogenesis imperfecta type 1; Lobstein's Disease; Lobstein disease. Identifiers: Orphanet 216796, Orphanet 666, MedGen C0023931, MONDO:0008146, OMIM 166200. Disease mechanism: loss of function.
Osteogenesis imperfecta type III (OI3). Also called: Osteogenesis imperfecta type 3; OI type 3; Osteogenesis imperfecta, progressively deforming with normal sclerae; OI type III; Progressively Deforming Osteogenesis Imperfecta. Identifiers: Orphanet 216812, Orphanet 666, MedGen C0268362, MONDO:0009804, OMIM 259420.
COL1A1-related disorder. Also called: COL1A1-related condition; COL1A1- related disease.

Submissions (3):

PreventionGenetics, part of Exact Sciences
Classification: Pathogenic for COL1A1-related condition. Last evaluated: 2022-11-11. Review status: criteria provided, single submitter. Criteria: ACMG Guidelines, 2015. Collection method: clinical testing. Allele origin: germline.
Comment: The COL1A1 c.2084delG variant is predicted to result in a frameshift and premature protein termination (p.Gly695Valfs*71). This variant was reported to be pathogenic for osteogenesis imperfecta (Table S1, Ben Amor et al 2013. PubMed ID: 23529829). In ClinVar, this variant is also interpreted as pathogenic. This variant has not been reported in a large population database, indicating this variant is rare. Frameshift variants in COL1A1 are expected to be pathogenic. This variant is interpreted as pathogenic.

3billion
Classification: Pathogenic for Osteogenesis imperfecta type III. Last evaluated: 2022-05-22. Review status: criteria provided, single submitter. Criteria: ACMG Guidelines, 2015. Collection method: clinical testing. Allele origin: germline. Affected: yes. Observed: 1 heterozygote.
Comment: The variant is not observed in the gnomAD v2.1.1 dataset. Frameshift: predicted to result in a loss or disruption of normal protein function through nonsense-mediated decay (NMD) or protein truncation. Multiple pathogenic variants are reported downstream of the variant. The variant has been reported to be associated with COL1A1 related disorder (ClinVar ID: VCV000853946 / PMID: 23529829). Therefore, this variant is classified as pathogenic according to the recommendation of ACMG/AMP guideline.

Labcorp Genetics (formerly Invitae), Labcorp
Classification: Pathogenic for Osteogenesis imperfecta type I. Last evaluated: 2021-08-26. Review status: criteria provided, single submitter. Criteria: Invitae Variant Classification Sherloc (09022015). Collection method: clinical testing. Allele origin: germline.

Literature cited by the submitters: PubMed 23529829 (cited by 3billion).